The following is an entry in ClinVar:

ClinVar aggregate classification (germline): Conflicting classifications of pathogenicity. Review status: criteria provided, conflicting classifications (1 of 4 stars). 7 submissions from 7 submitters: Uncertain significance (2); Likely benign (5). Last evaluated 2026-09-01.

Conditions:
TPM1-related disorder. Also called: TPM1-related condition.
Cardiomyopathy (CMYO). Also called: Cardiomyopathies. Identifiers: Orphanet 167848, MedGen C0878544, MONDO:0004994, HP:0001638. Inheritance: Various modes of inheritance.

Allele frequency attached by ClinVar (database versions not stated): gnomAD 0.00006; TOPMed 0.00017; ExAC 0.00031; gnomAD exomes 0.00008 and 0.00041.
gnomAD v4.1: 119 of 1,613,912 alleles (0.0074%); highest among the groups gnomAD compares: Admixed American, 0.19%; no homozygotes.

Submissions (7):

CeGaT Center for Human Genetics Tuebingen
Classification: Likely benign. Last evaluated: 2026-09-01. Review status: criteria provided, single submitter. Criteria: CeGaT Center For Human Genetics Tuebingen Variant Classification Criteria Version 2. Collection method: clinical testing. Allele origin: germline. Affected: yes. Observed: 1 variant allele.
Comment: TPM1: PP3, BS1

PreventionGenetics, part of Exact Sciences
Classification: Likely benign for TPM1-related condition. Last evaluated: 2025-07-21. Review status: criteria provided, single submitter. Criteria: ACMG Guidelines, 2015. Collection method: clinical testing. Allele origin: germline.
Comment: This variant is classified as likely benign based on ACMG/AMP sequence variant interpretation guidelines (Richards et al. 2015 PMID: 25741868, with internal and published modifications).

ARUP Laboratories, Molecular Genetics and Genomics, ARUP Laboratories
Classification: Likely benign. Last evaluated: 2025-07-01. Review status: criteria provided, single submitter. Criteria: ARUP Molecular Germline Variant Investigation Process 2024. Collection method: clinical testing. Allele origin: germline.

Color Diagnostics, LLC DBA Color Health
Classification: Likely benign for Cardiomyopathy. Last evaluated: 2018-12-16. Review status: criteria provided, single submitter. Criteria: ACMG Guidelines, 2015. Collection method: clinical testing. Allele origin: germline.

GeneDx
Classification: Uncertain significance. Last evaluated: 2015-07-28. Review status: criteria provided, single submitter. Criteria: GeneDx Variant Classification (06012015). Collection method: clinical testing. Allele origin: germline. Affected: yes.
Comment: The Arg232His variant in the TPM1 gene has not been reported previously as a disease-causing mutation nor as a benign polymorphism, to our knowledge. Arg232His occurs in an alternative transcript of TPM1, variant 6 (TMBr-3 brain isoform), which is reported to expressed in brain tissue in animal models (Lees-Miller et al., 1990; Stamm S et al., 1993). No mutations have been reported in this alternative transcript and it is unknown if this gene isoform is also expressed in the heart. Arg232His results in a conservative substitution of one positively charged amino acid for another at a residue that is not conserved across species. As a result, in silico analysis predicts Arg232His likely has a benign effect onthe protein structure/function. However, the NHLBI ESP Exome Variant Server reports Arg232His was not observed in approximately 6,000 samples from individuals of European and African American backgrounds, indicating it is not a common benign variant in these populations. With the clinical and molecular information available at this time, we cannot definitively determine if the Arg232His variant in the TPM1 is a disease-causing mutation or a rare benign variant. The variant is found in DCM panel(s).

Laboratory for Molecular Medicine, Mass General Brigham Personalized Medicine
Classification: Likely benign. Last evaluated: 2015-02-26. Review status: criteria provided, single submitter. Criteria: LMM Criteria. Collection method: clinical testing. Allele origin: germline. Observed: 1 variant allele.
Comment: p.Arg232His in exon 10A of TPM1: This variant is not expected to have clinical s ignificance because it has been identified in 0.3% (38/11578) of Latino chromoso mes by the Exome Aggregation Consortium (ExAC).

Stanford Center for Inherited Cardiovascular Disease, Stanford University
Classification: Uncertain significance. Last evaluated: 2013-03-05. Review status: criteria provided, single submitter. Criteria: ACMG Guidelines, 2015. Collection method: provider interpretation. Allele origin: germline.

NM_001018008.2(TPM1):c.695G>A (p.Arg232His)

Gene: TPM1 (tropomyosin 1; plus strand). Cytogenetic location: 15q22.2.
Variant type: single nucleotide variant.
Coding change: c.695G>A on transcript NM_001018008.2; coding-DNA position 695, G replaced by A.
Protein change: p.Arg232His; replaces arginine 232 with histidine.
Molecular consequence: missense variant. On other transcripts: non-coding transcript variant (5), intron variant (8).
Genome position (GRCh38, 1-based): chr15:63,069,900, G>A. VCF-style: chr15-63069900-G-A. GRCh37 (hg19) VCF-style: chr15-63362099-G-A.
Other names: p.R232H:CGC>CAC; c.695G>A, p.Arg232His (NM_001330351.2); c.803G>A, p.Arg268His (NM_001365776.1, NM_001407336.1, NM_001407337.1 and 1 more transcripts); c.899-1190G>A (NM_001365778.1); c.773-1190G>A (NM_001018020.2, NM_001018007.2, NM_001018006.2 and 1 more transcripts); c.852-1190G>A (NM_001407326.1); c.665-1190G>A (NM_001330344.2, NM_001301289.2); short protein forms R232H, R268H.
Identifiers: ClinVar variation 181654 (VCV000181654.16), dbSNP rs730881128, ClinGen allele CA018557.